The following is an entry in ClinVar:

ClinVar aggregate classification (germline): Uncertain significance (1 of 4 stars; one submission).

Conditions:
Dilated cardiomyopathy 1G (CMD1G). Identifiers: Orphanet 154, MedGen C1858763, MONDO:0011400, OMIM 604145.
Autosomal recessive limb-girdle muscular dystrophy type 2J (LGMDR10). Also called: Limb-girdle muscular dystrophy, type 2J; MUSCULAR DYSTROPHY, LIMB-GIRDLE, AUTOSOMAL RECESSIVE 10. Identifiers: Orphanet 140922, MedGen C1837342, MONDO:0012127, OMIM 608807.

gnomAD v4.1: 1 of 1,613,986 alleles (0.000062%); highest among the groups gnomAD compares: Admixed American, 0.0017%; no homozygotes.

Submission:

Labcorp Genetics (formerly Invitae), Labcorp
Classification: Uncertain significance for Dilated cardiomyopathy 1G; Autosomal recessive limb-girdle muscular dystrophy type 2J. Last evaluated: 2024-12-09. Review status: criteria provided, single submitter. Criteria: Invitae Variant Classification Sherloc (09022015). Collection method: clinical testing. Allele origin: germline.
Comment: This sequence change replaces methionine, which is neutral and non-polar, with valine, which is neutral and non-polar, at codon 34483 of the TTN protein (p.Met34483Val). This variant is present in population databases (no rsID available, gnomAD 0.003%). This variant has not been reported in the literature in individuals affected with TTN-related conditions. Experimental studies and prediction algorithms are not available or were not evaluated, and the functional significance of this variant is currently unknown. This variant is located in the M band of TTN (PMID: 25589632). Non-truncating variants in this region may be relevant for neuromuscular disorders, but have not been definitively shown to cause cardiomyopathy (PMID: 23975875). In summary, the available evidence is currently insufficient to determine the role of this variant in disease. Therefore, it has been classified as a Variant of Uncertain Significance.

Literature cited by the submitters: PubMed 25589632; PubMed 23975875.

NM_001267550.2(TTN):c.103447A>G (p.Met34483Val)

Genes: TTN-AS1 (TTN antisense RNA 1; plus strand), TTN (titin; minus strand). Cytogenetic location: 2q31.2.
Variant type: single nucleotide variant.
Coding change: c.103447A>G on transcript NM_001267550.2 (MANE Select); coding-DNA position 103447, A replaced by G.
Protein change: p.Met34483Val; replaces methionine 34483 with valine.
Molecular consequence: missense variant.
Genome position (GRCh38, 1-based): chr2:178,533,168, T>C on the plus strand (A>G on the coding strand, the complement: TTN is on the minus strand). VCF-style: chr2-178533168-T-C. GRCh37 (hg19) VCF-style: chr2-179397895-T-C.
Other names: c.98524A>G, p.Met32842Val (NM_001256850.1); c.76252A>G, p.Met25418Val (NM_003319.4); c.95743A>G, p.Met31915Val (NM_133378.4); c.76627A>G, p.Met25543Val (NM_133432.3); c.76828A>G, p.Met25610Val (NM_133437.4); short protein forms M25418V, M25543V, M25610V, M31915V, M32842V, M34483V.
Identifiers: ClinVar variation 3759906 (VCV003759906.2).